The following is an entry in ClinVar:

NM_006206.6(PDGFRA):c.1017G>A (p.Val339=)

Gene: PDGFRA (platelet derived growth factor receptor alpha; plus strand). Cytogenetic location: 4q12.
Variant type: single nucleotide variant.
Coding change: c.1017G>A on transcript NM_006206.6 (MANE Select); coding-DNA position 1017, G replaced by A.
Protein change: p.Val339=; no amino-acid change (valine 339 retained).
Molecular consequence: synonymous variant.
Genome position (GRCh38, 1-based): chr4:54,267,637, G>A. VCF-style: chr4-54267637-G-A. GRCh37 (hg19) VCF-style: chr4-55133804-G-A.
Other names: c.1017G>A, p.Val339= (NM_001347827.2, NM_001347829.2); c.1092G>A, p.Val364= (NM_001347828.2); c.1056G>A, p.Val352= (NM_001347830.2).
Identifiers: ClinVar variation 753394 (VCV000753394.12), dbSNP rs1416375704, ClinGen allele CA439286740.

ClinVar aggregate classification (germline): Conflicting classifications of pathogenicity. Review status: criteria provided, conflicting classifications (1 of 4 stars). 2 submissions from 2 submitters: Uncertain significance (1); Likely benign (1). Last evaluated 2025-01-23.

Conditions:
Hereditary cancer-predisposing syndrome. Also called: Neoplastic Syndromes, Hereditary; Hereditary Cancer Syndrome; Hereditary neoplastic syndrome; Tumor predisposition. Identifiers: Orphanet 140162, MedGen C0027672, MeSH D009386, MONDO:0015356.
Gastrointestinal stromal tumor. Also called: Gastrointestinal stromal tumor, somatic; Gastrointestinal stroma tumor. Identifiers: Orphanet 44890, MedGen C0238198, MeSH D046152, MONDO:0011719, OMIM 606764, HP:0100723.

Allele frequency attached by ClinVar (database versions not stated): TOPMed below 0.00001.
gnomAD v4.1: 9 of 1,614,012 alleles (0.00056%); highest among the groups gnomAD compares: Non-Finnish European, 0.00076%; no homozygotes.

Submissions (2):

Ambry Genetics
Classification: Uncertain significance for Hereditary cancer-predisposing syndrome. Last evaluated: 2025-01-23. Review status: criteria provided, single submitter. Criteria: Ambry Variant Classification Scheme 2023. Collection method: clinical testing. Allele origin: germline.
Comment: The c.1017G>A variant (also known as p.V339V), located in coding exon 6 of the PDGFRA gene, results from a G to A substitution at nucleotide position 1017. This nucleotide substitution does not change the amino acid at codon 339. This nucleotide position is not well conserved in available vertebrate species. In silico splice site analysis for this alteration is inconclusive. Based on the available evidence, the clinical significance of this variant remains unclear.

Labcorp Genetics (formerly Invitae), Labcorp
Classification: Likely benign for Gastrointestinal stromal tumor. Last evaluated: 2025-01-23. Review status: criteria provided, single submitter. Criteria: Invitae Variant Classification Sherloc (09022015). Collection method: clinical testing. Allele origin: germline.